The following is an entry in ClinVar:

NM_002608.4(PDGFB):c.640C>G (p.Arg214Gly)

Gene: PDGFB (platelet derived growth factor subunit B; minus strand). Cytogenetic location: 22q13.1.
Variant type: single nucleotide variant.
Coding change: c.640C>G on transcript NM_002608.4 (MANE Select); coding-DNA position 640, C replaced by G.
Protein change: p.Arg214Gly; replaces arginine 214 with glycine.
Molecular consequence: missense variant.
Genome position (GRCh38, 1-based): chr22:39,225,809, G>C on the plus strand (C>G on the coding strand, the complement: PDGFB is on the minus strand). VCF-style: chr22-39225809-G-C. GRCh37 (hg19) VCF-style: chr22-39621814-G-C.
Other names: c.595C>G, p.Arg199Gly (NM_033016.3); short protein forms R199G, R214G.
Identifiers: ClinVar variation 3373440 (VCV003373440.1).

ClinVar aggregate classification (germline): Uncertain significance (1 of 4 stars; one submission).

Submission:

GeneDx
Classification: Uncertain significance. Last evaluated: 2024-02-27. Review status: criteria provided, single submitter. Criteria: GeneDx Variant Classification Process June 2021. Collection method: clinical testing. Allele origin: germline. Affected: yes.
Comment: Not observed at significant frequency in large population cohorts (gnomAD); In silico analysis supports that this missense variant does not alter protein structure/function; Has not been previously published as pathogenic or benign to our knowledge